The following is an entry in ClinVar:

NM_002890.3(RASA1):c.577G>A (p.Glu193Lys)

Genes: CCNH (cyclin H; minus strand), RASA1 (RAS p21 protein activator 1; plus strand). Cytogenetic location: 5q14.3.
Variant type: single nucleotide variant.
Coding change: c.577G>A on transcript NM_002890.3 (MANE Select); coding-DNA position 577, G replaced by A.
Protein change: p.Glu193Lys; replaces glutamic acid 193 with lysine.
Molecular consequence: missense variant. On other transcripts: intron variant (1).
Genome position (GRCh38, 1-based): chr5:87,331,385, G>A. VCF-style: chr5-87331385-G-A. GRCh37 (hg19) VCF-style: chr5-86627202-G-A.
Other names: c.46G>A, p.Glu16Lys (NM_022650.3); c.934-18590C>T (NM_001364075.2); short protein forms E193K, E16K.
Identifiers: ClinVar variation 2845548 (VCV002845548.3), dbSNP rs1757588274, ClinGen allele CA360375181.

ClinVar aggregate classification (germline): Uncertain significance (1 of 4 stars; one submission).

Conditions:
Capillary malformation-arteriovenous malformation syndrome. Also called: Capillary malformation-arteriovenous malformation. Identifiers: Orphanet 137667, MedGen C1842180, MONDO:0012016.

Allele frequency attached by ClinVar (database versions not stated): gnomAD exomes below 0.00001.
gnomAD v4.1: 1 of 1,612,586 alleles (0.000062%); highest among the groups gnomAD compares: Non-Finnish European, 0.000085%; no homozygotes.

Submission:

Labcorp Genetics (formerly Invitae), Labcorp
Classification: Uncertain significance for Capillary malformation-arteriovenous malformation syndrome. Last evaluated: 2023-03-14. Review status: criteria provided, single submitter. Criteria: Invitae Variant Classification Sherloc (09022015). Collection method: clinical testing. Allele origin: germline.
Comment: In summary, the available evidence is currently insufficient to determine the role of this variant in disease. Therefore, it has been classified as a Variant of Uncertain Significance. An algorithm developed to predict the effect of missense changes on protein structure and function (PolyPhen-2) suggests that this variant is likely to be disruptive. This variant has not been reported in the literature in individuals affected with RASA1-related conditions. This variant is not present in population databases (gnomAD no frequency). This sequence change replaces glutamic acid, which is acidic and polar, with lysine, which is basic and polar, at codon 193 of the RASA1 protein (p.Glu193Lys).